The following is an entry in ClinVar:

NM_020639.3(RIPK4):c.1641C>T (p.His547=)

Gene: RIPK4 (receptor interacting serine/threonine kinase 4; minus strand). Cytogenetic location: 21q22.3.
Variant type: single nucleotide variant.
Coding change: c.1641C>T on transcript NM_020639.3 (MANE Select); coding-DNA position 1641, C replaced by T.
Protein change: p.His547=; no amino-acid change (histidine 547 retained).
Molecular consequence: synonymous variant.
Genome position (GRCh38, 1-based): chr21:41,741,552, G>A on the plus strand (C>T on the coding strand, the complement: RIPK4 is on the minus strand). VCF-style: chr21-41741552-G-A. GRCh37 (hg19) VCF-style: chr21-43161712-G-A.
Identifiers: ClinVar variation 3053367 (VCV003053367.2), dbSNP rs150110999, ClinGen allele CA10035250.

ClinVar aggregate classification (germline): Likely benign (0 of 4 stars; one submission).

Conditions:
RIPK4-related disorder. Also called: RIPK4-related condition.

Allele frequency attached by ClinVar (database versions not stated): ExAC 0.00006; ESP Exome Variant Server 0.00015.
gnomAD v4.1: 101 of 1,611,876 alleles (0.0063%); highest among the groups gnomAD compares: African/African-American, 0.044%; no homozygotes.

Submission:

PreventionGenetics, part of Exact Sciences
Classification: Likely benign for RIPK4-related condition. Last evaluated: 2019-08-27. Review status: no assertion criteria provided. Collection method: clinical testing. Allele origin: germline.
Comment: This variant is classified as likely benign based on ACMG/AMP sequence variant interpretation guidelines (Richards et al. 2015 PMID: 25741868, with internal and published modifications).